The following is an entry in ClinVar:

NM_006084.5(IRF9):c.511A>G (p.Ser171Gly)

Gene: IRF9 (interferon regulatory factor 9; plus strand). Cytogenetic location: 14q12.
Variant type: single nucleotide variant.
Coding change: c.511A>G on transcript NM_006084.5 (MANE Select); coding-DNA position 511, A replaced by G.
Protein change: p.Ser171Gly; replaces serine 171 with glycine.
Molecular consequence: missense variant.
Genome position (GRCh38, 1-based): chr14:24,163,893, A>G. VCF-style: chr14-24163893-A-G. GRCh37 (hg19) VCF-style: chr14-24633102-A-G.
Other names: c.511A>G, p.Ser171Gly (NM_001385400.1, NM_001385401.1, NM_001385402.1); short protein forms S171G.
Identifiers: ClinVar variation 4697470 (VCV004697470.1).
Genomic context (GRCh38, chr14:24,163,893, plus strand): 5'-GTCTCAAAAAAAGAGAAAAAAAATAAAAAGACACTGTGTCCGCAGGAGGAGGAGGGGGCC[A>G]GTGGGGGAGCAGTCCATTCAGACATTGGGAGCAGCAGCAGCAGCAGCAGCCCTGAGCCAC-3'
Protein context (NP_006075.3, residues 161-181): DSLNNEEEGA[Ser171Gly]GGAVHSDIGS

ClinVar aggregate classification (germline): Uncertain significance (1 of 4 stars; one submission).

gnomAD v4.1: 16 of 1,594,014 alleles (0.001%); highest among the groups gnomAD compares: African/African-American, 0.0055%; no homozygotes.

Submission:

Labcorp Genetics (formerly Invitae), Labcorp
Classification: Uncertain significance. Last evaluated: 2025-12-31. Review status: criteria provided, single submitter. Criteria: Invitae Variant Classification Sherloc (09022015). Collection method: clinical testing. Allele origin: germline.
Comment: This sequence change replaces serine, which is neutral and polar, with glycine, which is neutral and non-polar, at codon 171 of the IRF9 protein (p.Ser171Gly). This variant is present in population databases (rs777662554, gnomAD 0.01%). This variant has not been reported in the literature in individuals affected with IRF9-related conditions. An algorithm developed to predict the effect of missense changes on protein structure and function outputs the following: PolyPhen-2: "Benign". The glycine amino acid residue is found in multiple mammalian species, which suggests that this missense change does not adversely affect protein function. In summary, the available evidence is currently insufficient to determine the role of this variant in disease. Therefore, it has been classified as a Variant of Uncertain Significance.